The following is an entry in ClinVar:

ClinVar aggregate classification (germline): Uncertain significance (1 of 4 stars; one submission).

Submission:

Women's Health and Genetics/Laboratory Corporation of America, LabCorp
Classification: Uncertain significance. Last evaluated: 2024-04-19. Review status: criteria provided, single submitter. Criteria: LabCorp Variant Classification Summary - May 2015. Collection method: clinical testing. Allele origin: germline.
Comment: Variant summary: PAH c.922C>A (p.Leu308Ile) results in a conservative amino acid change located in the Aromatic amino acid hydroxylase, C-terminal domain (IPR019774) of the encoded protein sequence. Four of five in-silico tools predict a damaging effect of the variant on protein function. The variant was absent in 251284 control chromosomes. The available data on variant occurrences in the general population are insufficient to allow any conclusion about variant significance. To our knowledge, no occurrence of c.922C>A in individuals affected with Phenylalanine Hydroxylase Deficiency (Phenylketonuria) and no experimental evidence demonstrating its impact on protein function have been reported. No submitters have cited clinical-significance assessments for this variant to ClinVar. Based on the evidence outlined above, the variant was classified as uncertain significance.

NM_000277.3(PAH):c.922C>A (p.Leu308Ile)

Gene: PAH (phenylalanine hydroxylase; minus strand). Cytogenetic location: 12q23.2.
Variant type: single nucleotide variant.
Coding change: c.922C>A on transcript NM_000277.3 (MANE Select); coding-DNA position 922, C replaced by A.
Protein change: p.Leu308Ile; replaces leucine 308 with isoleucine.
Molecular consequence: missense variant.
Genome position (GRCh38, 1-based): chr12:102,846,942, G>T on the plus strand (C>A on the coding strand, the complement: PAH is on the minus strand). VCF-style: chr12-102846942-G-T. GRCh37 (hg19) VCF-style: chr12-103240720-G-T.
Other names: c.922C>A, p.Leu308Ile (NM_001354304.2); short protein forms L308I.
Identifiers: ClinVar variation 3251856 (VCV003251856.1), dbSNP rs62642095.
Genomic context (GRCh38, chr12:102,846,942, plus strand): 5'-AGAAGGGACTTACTGTGGCGAGCTTTTCAATGTATTCATCAGGTGCACCCAGAGAGGCAA[G>T]GCCAATTTCCTGTAATTGGGGGAAAATAGAACCTGTTCTGTTCCTGTAATTGGAACCACA-3'
Protein context (NP_000268.1, residues 298-318): SFAQFSQEIG[Leu308Ile]ASLGAPDEYI